The following is an entry in ClinVar:

NM_004655.4(AXIN2):c.628A>G (p.Met210Val)

Gene: AXIN2 (axin 2; minus strand). Cytogenetic location: 17q24.1.
Variant type: single nucleotide variant.
Coding change: c.628A>G on transcript NM_004655.4 (MANE Select); coding-DNA position 628, A replaced by G.
Protein change: p.Met210Val; replaces methionine 210 with valine.
Molecular consequence: missense variant.
Genome position (GRCh38, 1-based): chr17:65,557,993, T>C on the plus strand (A>G on the coding strand, the complement: AXIN2 is on the minus strand). VCF-style: chr17-65557993-T-C. GRCh37 (hg19) VCF-style: chr17-63554111-T-C.
Other names: c.628A>G, p.Met210Val (NM_001363813.1); c.628A>G (NM_004655.3); short protein forms M210V.
Identifiers: ClinVar variation 1445749 (VCV001445749.9), dbSNP rs2144583835, ClinGen allele CA400680619.

ClinVar aggregate classification (germline): Uncertain significance. Review status: criteria provided, multiple submitters, no conflicts (2 of 4 stars). 2 submissions from 2 submitters: Uncertain significance (2). Last evaluated 2025-12-17.

Conditions:
Hereditary cancer-predisposing syndrome. Also called: Neoplastic Syndromes, Hereditary; Tumor predisposition; Hereditary Cancer Syndrome; Hereditary neoplastic syndrome. Identifiers: Orphanet 140162, MedGen C0027672, MeSH D009386, MONDO:0015356.
Oligodontia-cancer predisposition syndrome. Also called: TOOTH AGENESIS-COLORECTAL CANCER SYNDROME. Identifiers: Orphanet 300576, MedGen C1837750, MONDO:0012075, OMIM 608615. Disease mechanism: loss of function.

Allele frequency attached by ClinVar (database versions not stated): gnomAD exomes below 0.00001.
gnomAD v4.1: 2 of 1,614,178 alleles (0.00012%); highest among the groups gnomAD compares: South Asian, 0.0011%; no homozygotes.

Submissions (2):

Ambry Genetics
Classification: Uncertain significance for Hereditary cancer-predisposing syndrome. Last evaluated: 2025-12-17. Review status: criteria provided, single submitter. Criteria: Ambry Variant Classification Scheme 2023. Collection method: clinical testing. Allele origin: germline.
Comment: The p.M210V variant (also known as c.628A>G), located in coding exon 1 of the AXIN2 gene, results from an A to G substitution at nucleotide position 628. The methionine at codon 210 is replaced by valine, an amino acid with highly similar properties. This amino acid position is conserved. In addition, this alteration is predicted to be tolerated by in silico analysis. Based on the available evidence, the clinical significance of this variant remains unclear.

Labcorp Genetics (formerly Invitae), Labcorp
Classification: Uncertain significance for Oligodontia-cancer predisposition syndrome. Last evaluated: 2024-11-13. Review status: criteria provided, single submitter. Criteria: Invitae Variant Classification Sherloc (09022015). Collection method: clinical testing. Allele origin: germline.
Comment: This sequence change replaces methionine, which is neutral and non-polar, with valine, which is neutral and non-polar, at codon 210 of the AXIN2 protein (p.Met210Val). This variant is not present in population databases (gnomAD no frequency). This variant has not been reported in the literature in individuals affected with AXIN2-related conditions. ClinVar contains an entry for this variant (Variation ID: 1445749). Invitae Evidence Modeling of protein sequence and biophysical properties (such as structural, functional, and spatial information, amino acid conservation, physicochemical variation, residue mobility, and thermodynamic stability) indicates that this missense variant is not expected to disrupt AXIN2 protein function with a negative predictive value of 80%. In summary, the available evidence is currently insufficient to determine the role of this variant in disease. Therefore, it has been classified as a Variant of Uncertain Significance.